The following is an entry in ClinVar:

ClinVar aggregate classification (germline): Benign/Likely benign. Review status: criteria provided, multiple submitters, no conflicts (2 of 4 stars). 4 submissions from 4 submitters: Benign (1); Likely benign (2). 1 of the submissions does not count toward it. Last evaluated 2026-05-01.

Conditions:
MYT1L-related disorder. Also called: MYT1L-related condition.

Allele frequency attached by ClinVar (database versions not stated): ExAC 0.00007; ESP Exome Variant Server 0.00016; gnomAD 0.00037 and 0.00040; TOPMed 0.00041.
gnomAD v4.1: 227 of 1,613,880 alleles (0.014%); highest among the groups gnomAD compares: Admixed American, 0.14%; 2 homozygotes.

Submissions (4):

CeGaT Center for Human Genetics Tuebingen
Classification: Likely benign. Last evaluated: 2026-05-01. Review status: criteria provided, single submitter. Criteria: CeGaT Center For Human Genetics Tuebingen Variant Classification Criteria Version 2. Collection method: clinical testing. Allele origin: germline. Affected: yes. Observed: 2 variant alleles.
Comment: MYT1L: BP4, BP7, BS1

Genetic Services Laboratory, University of Chicago
Classification: Likely benign. Last evaluated: 2021-12-02. Review status: criteria provided, single submitter. Criteria: ACMG Guidelines, 2015. Collection method: clinical testing. Allele origin: germline. Affected: no.

GeneDx
Classification: Benign. Last evaluated: 2020-09-21. Review status: criteria provided, single submitter. Criteria: GeneDx Variant Classification Process June 2021. Collection method: clinical testing. Allele origin: germline. Affected: yes.

PreventionGenetics, part of Exact Sciences
Classification: Likely benign for MYT1L-related condition. Last evaluated: 2024-02-27. Review status: no assertion criteria provided. Collection method: clinical testing. Allele origin: germline. Not counted in ClinVar's aggregate classification.
Comment: This variant is classified as likely benign based on ACMG/AMP sequence variant interpretation guidelines (Richards et al. 2015 PMID: 25741868, with internal and published modifications).

NM_001303052.2(MYT1L):c.1410G>A (p.Pro470=)

Gene: MYT1L (myelin transcription factor 1 like; minus strand). Cytogenetic location: 2p25.3.
Variant type: single nucleotide variant.
Coding change: c.1410G>A on transcript NM_001303052.2 (MANE Select); coding-DNA position 1410, G replaced by A.
Protein change: p.Pro470=; no amino-acid change (proline 470 retained).
Molecular consequence: synonymous variant.
Genome position (GRCh38, 1-based): chr2:1,922,359, C>T on the plus strand (G>A on the coding strand, the complement: MYT1L is on the minus strand). VCF-style: chr2-1922359-C-T. GRCh37 (hg19) VCF-style: chr2-1926131-C-T.
Other names: c.1410G>A, p.Pro470= (NM_001329844.2, NM_001329845.1, NM_001329846.3 and 6 more transcripts); c.1410G>A (NM_001303052.1).
Identifiers: ClinVar variation 1226841 (VCV001226841.16), dbSNP rs373769933, ClinGen allele CA1514251.